The following is an entry in ClinVar:

NM_022114.4(PRDM16):c.1241G>A (p.Arg414Gln)

Gene: PRDM16 (PR/SET domain 16; plus strand). Cytogenetic location: 1p36.32.
Variant type: single nucleotide variant.
Coding change: c.1241G>A on transcript NM_022114.4 (MANE Select); coding-DNA position 1241, G replaced by A.
Protein change: p.Arg414Gln; replaces arginine 414 with glutamine.
Molecular consequence: missense variant.
Genome position (GRCh38, 1-based): chr1:3,411,438, G>A. VCF-style: chr1-3411438-G-A. GRCh37 (hg19) VCF-style: chr1-3328002-G-A.
Other names: c.1241G>A, p.Arg414Gln (NM_199454.3); short protein forms R414Q.
Identifiers: ClinVar variation 4781801 (VCV004781801.1).
Genomic context (GRCh38, chr1:3,411,438, plus strand): 5'-TTTTAGGTGAGGTCTGCCACAAGTCCTACACGCAGTTCTCCAACCTGTGCCGGCACAAGC[G>A]GATGCACGCCGACTGCCGCACGCAGATCAAGTGCAAGGACTGTGGCCAGATGTTCAGCAC-3'
Protein context (NP_071397.3, residues 404-424): TQFSNLCRHK[Arg414Gln]MHADCRTQIK

ClinVar aggregate classification (germline): Uncertain significance (1 of 4 stars; one submission).

Conditions:
Left ventricular noncompaction 8 (LVNC8). Identifiers: Orphanet 154, Orphanet 54260, MedGen C3809288, MONDO:0014152, OMIM 615373.

gnomAD v4.1: 1 of 1,614,160 alleles (0.000062%); highest among the groups gnomAD compares: Non-Finnish European, 0.000085%; no homozygotes.

Submission:

Labcorp Genetics (formerly Invitae), Labcorp
Classification: Uncertain significance for Left ventricular noncompaction 8. Last evaluated: 2025-07-15. Review status: criteria provided, single submitter. Criteria: Invitae Variant Classification Sherloc (09022015). Collection method: clinical testing. Allele origin: germline.
Comment: This sequence change replaces arginine, which is basic and polar, with glutamine, which is neutral and polar, at codon 414 of the PRDM16 protein (p.Arg414Gln). This variant is not present in population databases (gnomAD no frequency). This variant has not been reported in the literature in individuals affected with PRDM16-related conditions. An algorithm developed to predict the effect of missense changes on protein structure and function (PolyPhen-2) suggests that this variant is likely to be disruptive. In summary, the available evidence is currently insufficient to determine the role of this variant in disease. Therefore, it has been classified as a Variant of Uncertain Significance.